The following is an entry in ClinVar:

ClinVar aggregate classification (germline): Likely pathogenic (1 of 4 stars; one submission).

Conditions:
Dilated cardiomyopathy 1G (CMD1G). Identifiers: Orphanet 154, MedGen C1858763, MONDO:0011400, OMIM 604145.
Autosomal recessive limb-girdle muscular dystrophy type 2J (LGMDR10). Also called: Limb-girdle muscular dystrophy, type 2J; MUSCULAR DYSTROPHY, LIMB-GIRDLE, AUTOSOMAL RECESSIVE 10. Identifiers: Orphanet 140922, MedGen C1837342, MONDO:0012127, OMIM 608807.

Submission:

Labcorp Genetics (formerly Invitae), Labcorp
Classification: Likely pathogenic for Dilated cardiomyopathy 1G; Autosomal recessive limb-girdle muscular dystrophy type 2J. Last evaluated: 2024-11-01. Review status: criteria provided, single submitter. Criteria: Invitae Variant Classification Sherloc (09022015). Collection method: clinical testing. Allele origin: germline.
Comment: This sequence change creates a premature translational stop signal (p.Asp2189Thrfs*17) in the TTN gene. While this is not anticipated to result in nonsense mediated decay, it is expected to create a truncated TTN protein. This variant is not present in population databases (gnomAD no frequency). This variant has not been reported in the literature in individuals affected with TTN-related conditions. ClinVar contains an entry for this variant (Variation ID: 2938493). This variant is located in the I band of TTN (PMID: 25589632). Truncating variants in this region have been reported in individuals affected with autosomal recessive centronuclear myopathy (PMID: 23975875, internal data). Truncating variants in this region have also been identified in individuals affected with autosomal dominant dilated cardiomyopathy and/or cardio-related conditions (PMID: 27869827, 32964742, internal data). In summary, the currently available evidence indicates that the variant is pathogenic, but additional data are needed to prove that conclusively. Therefore, this variant has been classified as Likely Pathogenic.

Literature cited by the submitters: PubMed 25589632; PubMed 23975875; PubMed 27869827; PubMed 32964742.

NM_001267550.2(TTN):c.6564del (p.Asp2189fs)

Gene: TTN (titin; minus strand). Cytogenetic location: 2q31.2.
Variant type: Deletion.
Coding change: c.6564del on transcript NM_001267550.2 (MANE Select); coding-DNA position 6564, one base deleted (A; older notation c.6564delA).
Protein change: p.Asp2189fs; shifts the reading frame from aspartic acid 2189.
Molecular consequence: frameshift variant.
Genome position (GRCh38, 1-based): chr2:178,775,147, T deleted on the plus strand (A on the coding strand, the reverse complement: TTN is on the minus strand); the first of 5 consecutive T bases (chr2:178,775,147-178,775,151); deleting any one gives the same sequence. VCF-style (leftmost placement, unchanged base first): chr2-178775146-CT-C. GRCh37 (hg19) VCF-style: chr2-179639873-CT-C.
Other names: c.6564del, p.Asp2189fs (NM_001256850.1, NM_133378.4, NM_133379.5); c.6426del, p.Asp2143fs (NM_003319.4, NM_133432.3, NM_133437.4); short protein forms D2189fs, D2143fs.
Identifiers: ClinVar variation 2938493 (VCV002938493.3), dbSNP rs2532791337, ClinGen allele CA2740095942.